The following is an entry in ClinVar:

ClinVar aggregate classification (germline): Uncertain significance (1 of 4 stars; one submission).

Allele frequency attached by ClinVar (database versions not stated): gnomAD exomes below 0.00001; ExAC 0.00001.
gnomAD v4.1: 1 of 1,614,040 alleles (0.000062%); highest among the groups gnomAD compares: Admixed American, 0.0017%; no homozygotes.

Submission:

Labcorp Genetics (formerly Invitae), Labcorp
Classification: Uncertain significance. Last evaluated: 2024-07-08. Review status: criteria provided, single submitter. Criteria: Invitae Variant Classification Sherloc (09022015). Collection method: clinical testing. Allele origin: germline.
Comment: This sequence change replaces serine, which is neutral and polar, with threonine, which is neutral and polar, at codon 1828 of the FN1 protein (p.Ser1828Thr). This variant is present in population databases (rs765637364, gnomAD 0.003%). This variant has not been reported in the literature in individuals affected with FN1-related conditions. Algorithms developed to predict the effect of missense changes on protein structure and function output the following: SIFT: "Not Available"; PolyPhen-2: "Benign"; Align-GVGD: "Not Available". The threonine amino acid residue is found in multiple mammalian species, which suggests that this missense change does not adversely affect protein function. In summary, the available evidence is currently insufficient to determine the role of this variant in disease. Therefore, it has been classified as a Variant of Uncertain Significance.

NM_212482.4(FN1):c.5483G>C (p.Ser1828Thr)

Gene: FN1 (fibronectin 1; minus strand). Cytogenetic location: 2q35.
Variant type: single nucleotide variant.
Coding change: c.5483G>C on transcript NM_212482.4 (MANE Select); coding-DNA position 5483, G replaced by C.
Protein change: p.Ser1828Thr; replaces serine 1828 with threonine.
Molecular consequence: missense variant.
Genome position (GRCh38, 1-based): chr2:215,379,269, C>G on the plus strand (G>C on the coding strand, the complement: FN1 is on the minus strand). VCF-style: chr2-215379269-C-G. GRCh37 (hg19) VCF-style: chr2-216243992-C-G.
Other names: c.5483G>C, p.Ser1828Thr (NM_001306129.2); c.5213G>C, p.Ser1738Thr (NM_001306130.2, NM_001365517.2, NM_001365519.2 and 2 more transcripts); c.4940G>C, p.Ser1647Thr (NM_001306131.2, NM_001306132.2, NM_001365523.2 and 2 more transcripts); c.5210G>C, p.Ser1737Thr (NM_001365518.2, NM_001365520.2, NM_001365524.2 and 2 more transcripts); short protein forms S1737T, S1828T, S1647T, S1738T.
Identifiers: ClinVar variation 2700448 (VCV002700448.3), dbSNP rs765637364, ClinGen allele CA2094131.